The following is an entry in ClinVar:

NM_170601.5(SIAE):c.1351T>C (p.Trp451Arg)

Gene: SIAE (sialic acid acetylesterase; minus strand). Cytogenetic location: 11q24.2.
Variant type: single nucleotide variant.
Coding change: c.1351T>C on transcript NM_170601.5 (MANE Select); coding-DNA position 1351, T replaced by C.
Protein change: p.Trp451Arg; replaces tryptophan 451 with arginine.
Molecular consequence: missense variant.
Genome position (GRCh38, 1-based): chr11:124,637,172, A>G on the plus strand (T>C on the coding strand, the complement: SIAE is on the minus strand). VCF-style: chr11-124637172-A-G. GRCh37 (hg19) VCF-style: chr11-124507068-A-G.
Other names: c.1246T>C, p.Trp416Arg (NM_001199922.2); c.1351T>C (NM_170601.4); short protein forms W416R, W451R.
Identifiers: ClinVar variation 1425029 (VCV001425029.9), dbSNP rs1942762367, ClinGen allele CA383142212.

ClinVar aggregate classification (germline): Uncertain significance. Review status: criteria provided, multiple submitters, no conflicts (2 of 4 stars). 2 submissions from 2 submitters: Uncertain significance (2). Last evaluated 2022-07-17.

Submissions (2):

Labcorp Genetics (formerly Invitae), Labcorp
Classification: Uncertain significance. Last evaluated: 2022-07-17. Review status: criteria provided, single submitter. Criteria: Invitae Variant Classification Sherloc (09022015). Collection method: clinical testing. Allele origin: germline.
Comment: This sequence change replaces tryptophan, which is neutral and slightly polar, with arginine, which is basic and polar, at codon 451 of the SIAE protein (p.Trp451Arg). This variant is not present in population databases (gnomAD no frequency). This variant has not been reported in the literature in individuals affected with SIAE-related conditions. ClinVar contains an entry for this variant (Variation ID: 1425029). Algorithms developed to predict the effect of missense changes on protein structure and function (SIFT, PolyPhen-2, Align-GVGD) all suggest that this variant is likely to be disruptive. In summary, the available evidence is currently insufficient to determine the role of this variant in disease. Therefore, it has been classified as a Variant of Uncertain Significance.

Ambry Genetics
Classification: Uncertain significance. Last evaluated: 2021-08-16. Review status: criteria provided, single submitter. Criteria: Ambry Variant Classification Scheme 2023. Collection method: clinical testing. Allele origin: germline.